The following is an entry in ClinVar:

NM_013436.5(NCKAP1):c.684_687del (p.Gln228fs)

Gene: NCKAP1 (NCK associated protein 1; minus strand). Cytogenetic location: 2q32.1.
Variant type: Deletion.
Coding change: c.684_687del on transcript NM_013436.5 (MANE Select); coding-DNA positions 684 to 687, 4 bases deleted (GTTA; older notation c.684_687delGTTA).
Protein change: p.Gln228fs; shifts the reading frame from glutamine 228.
Molecular consequence: frameshift variant.
Genome position (GRCh38, 1-based): chr2:182,995,755-182,995,758, TAAC deleted on the plus strand (GTTA on the coding strand, the reverse complement: NCKAP1 is on the minus strand); deleting any 4 consecutive bases within chr2:182,995,755-182,995,759 gives the same sequence; the c. name uses the placement nearest the transcript's 3' end. VCF-style (leftmost placement, unchanged base first): chr2-182995754-ATAAC-A. GRCh37 (hg19) VCF-style: chr2-183860482-ATAAC-A.
Other names: c.702_705del, p.Gln234fs (NM_205842.3); short protein forms Q228fs, Q234fs.
Identifiers: ClinVar variation 1696649 (VCV001696649.1), dbSNP rs2105868996, ClinGen allele CA2580065253.

ClinVar aggregate classification (germline): Likely pathogenic (1 of 4 stars; one submission).

Conditions:
NCKAP1-associated Neurodevelopmental disorder.

Submission:

New York Genome Center
Classification: Likely pathogenic for NCKAP1-associated Neurodevelopmental disorder. Last evaluated: 2021-08-06. Review status: criteria provided, single submitter. Criteria: NYGC Assertion Criteria 2020. Collection method: clinical testing. Allele origin: de novo. Affected: yes. Observed: 1 heterozygote. Study: CSER-NYCKidSeq.
Comment: The de novo c.684_687del (p.Gln228HisfsTer2) variant identified in the NCKAP1 gene is the deletion of 4 nucleotides resulting in a frameshift of the protein at amino acid 228/1129 (exon 7/31). This is predicted to lead to the premature termination of the protein two amino acids downstream of the variant. This variant is absent from gnomAD(v3.1.1) suggesting it is not a common benign variant in the populations represented in that database. This variant is absent from ClinVar and to our current knowledge has not been reported in affected individuals in the literature, although frameshift and nonsense variants downstream of the one identified here have been reported in affected individuals [PMID:33157009]. Given its deleterious nature, absence in population databases, and occurrence de novo in the proband, the c.684_687del (p.Gln228HisfsTer2) variant identified in the NCKAP1 gene is reported as Likely Pathogenic.